The following is an entry in ClinVar:

NM_016507.4(CDK12):c.118T>C (p.Ser40Pro)

Genes: CDK12 (cyclin dependent kinase 12; plus strand), LOC126862553 (CDK7 strongly-dependent group 2 enhancer GRCh37_chr17:37618166-37619365; plus strand). Cytogenetic location: 17q12.
Variant type: single nucleotide variant.
Coding change: c.118T>C on transcript NM_016507.4 (MANE Select); coding-DNA position 118, T replaced by C.
Protein change: p.Ser40Pro; replaces serine 40 with proline.
Molecular consequence: missense variant.
Genome position (GRCh38, 1-based): chr17:39,462,189, T>C. VCF-style: chr17-39462189-T-C. GRCh37 (hg19) VCF-style: chr17-37618442-T-C.
Other names: c.118T>C, p.Ser40Pro (NM_015083.4); short protein forms S40P.
Identifiers: ClinVar variation 4224384 (VCV004224384.1).

ClinVar aggregate classification (germline): Uncertain significance (1 of 4 stars; one submission).

Submission:

Ambry Genetics
Classification: Uncertain significance. Last evaluated: 2025-08-14. Review status: criteria provided, single submitter. Criteria: Ambry Variant Classification Scheme 2023. Collection method: clinical testing. Allele origin: germline.
Comment: The p.S40P variant (also known as c.118T>C), located in coding exon 1 of the CDK12 gene, results from a T to C substitution at nucleotide position 118. The serine at codon 40 is replaced by proline, an amino acid with similar properties. This amino acid position is conserved. In addition, the in silico prediction for this alteration is inconclusive. Based on the available evidence, the clinical significance of this variant remains unclear.